The following is an entry in ClinVar:

ClinVar aggregate classification (germline): Likely benign (0 of 4 stars; one submission).

Conditions:
TBC1D1-related disorder. Also called: TBC1D1-related condition.

Allele frequency attached by ClinVar (database versions not stated): ExAC 0.00007; gnomAD 0.00007; 1000 Genomes Project 30x 0.00016; 1000 Genomes Project 0.00020.
gnomAD v4.1: 18 of 1,497,850 alleles (0.0012%); highest among the groups gnomAD compares: African/African-American, 0.026%; no homozygotes.

Submission:

PreventionGenetics, part of Exact Sciences
Classification: Likely benign for TBC1D1-related condition. Last evaluated: 2022-11-17. Review status: no assertion criteria provided. Collection method: clinical testing. Allele origin: germline.
Comment: This variant is classified as likely benign based on ACMG/AMP sequence variant interpretation guidelines (Richards et al. 2015 PMID: 25741868, with internal and published modifications).

NM_001396959.1(TBC1D1):c.2192+6G>C

Gene: TBC1D1 (TBC1 domain family member 1; plus strand). Cytogenetic location: 4p14.
Variant type: single nucleotide variant.
Coding change: c.2192+6G>C on transcript NM_001396959.1 (MANE Select); 6 bases into the intron after coding-DNA position 2192, G replaced by C.
Molecular consequence: intron variant.
Genome position (GRCh38, 1-based): chr4:38,053,231, G>C. VCF-style: chr4-38053231-G-C. GRCh37 (hg19) VCF-style: chr4-38054852-G-C.
Other names: c.2192+6G>C (NM_001253912.2); c.1911-968G>C (NM_015173.4).
Identifiers: ClinVar variation 3029858 (VCV003029858.2), dbSNP rs567103810, ClinGen allele CA2887943.